The following is an entry in ClinVar:

NM_024675.4(PALB2):c.3385G>C (p.Ala1129Pro)

Gene: PALB2 (partner and localizer of BRCA2; minus strand). Cytogenetic location: 16p12.2.
Variant type: single nucleotide variant.
Coding change: c.3385G>C on transcript NM_024675.4 (MANE Select); coding-DNA position 3385, G replaced by C.
Protein change: p.Ala1129Pro; replaces alanine 1129 with proline.
Molecular consequence: missense variant.
Genome position (GRCh38, 1-based): chr16:23,603,635, C>G on the plus strand (G>C on the coding strand, the complement: PALB2 is on the minus strand). VCF-style: chr16-23603635-C-G. GRCh37 (hg19) VCF-style: chr16-23614956-C-G.
Other names: c.3385G>C (NM_024675.3); short protein forms A1129P.
Identifiers: ClinVar variation 1465292 (VCV001465292.10), dbSNP rs1966404823, ClinGen allele CA395138280.

ClinVar aggregate classification (germline): Uncertain significance. Review status: criteria provided, multiple submitters, no conflicts (2 of 4 stars). 2 submissions from 2 submitters: Uncertain significance (2). Last evaluated 2025-11-10.

Conditions:
Hereditary cancer-predisposing syndrome. Also called: Tumor predisposition; Hereditary neoplastic syndrome; Hereditary Cancer Syndrome; Neoplastic Syndromes, Hereditary. Identifiers: Orphanet 140162, MedGen C0027672, MeSH D009386, MONDO:0015356.
Familial cancer of breast. Also called: Hereditary breast cancer; hereditary breast carcinoma; BREAST CANCER, FAMILIAL. Identifiers: Orphanet 227535, MedGen C0346153, MONDO:0016419, OMIM 114480. Disease mechanism: loss of function.

Submissions (2):

Ambry Genetics
Classification: Uncertain significance for Hereditary cancer-predisposing syndrome. Last evaluated: 2025-11-10. Review status: criteria provided, single submitter. Criteria: Ambry Variant Classification Scheme 2023. Collection method: clinical testing. Allele origin: germline.
Comment: The p.A1129P variant (also known as c.3385G>C), located in coding exon 13 of the PALB2 gene, results from a G to C substitution at nucleotide position 3385. The alanine at codon 1129 is replaced by proline, an amino acid with highly similar properties. This amino acid position is conserved. In addition, this alteration is predicted to be tolerated by in silico analysis. Based on the available evidence, the clinical significance of this variant remains unclear.

Labcorp Genetics (formerly Invitae), Labcorp
Classification: Uncertain significance for Familial cancer of breast. Last evaluated: 2021-07-06. Review status: criteria provided, single submitter. Criteria: Invitae Variant Classification Sherloc (09022015). Collection method: clinical testing. Allele origin: germline.
Comment: In summary, the available evidence is currently insufficient to determine the role of this variant in disease. Therefore, it has been classified as a Variant of Uncertain Significance. Algorithms developed to predict the effect of missense changes on protein structure and function are either unavailable or do not agree on the potential impact of this missense change (SIFT: "Deleterious"; PolyPhen-2: "Probably Damaging"; Align-GVGD: "Class C0"). This variant has not been reported in the literature in individuals affected with PALB2-related conditions. This variant is not present in population databases (ExAC no frequency). This sequence change replaces alanine with proline at codon 1129 of the PALB2 protein (p.Ala1129Pro). The alanine residue is highly conserved and there is a small physicochemical difference between alanine and proline.